The following is an entry in ClinVar:

ClinVar aggregate classification (germline): Uncertain significance (1 of 4 stars; one submission).

gnomAD v4.1: 1 of 1,614,160 alleles (0.000062%); highest among the groups gnomAD compares: African/African-American, 0.0013%; no homozygotes.

Submission:

Labcorp Genetics (formerly Invitae), Labcorp
Classification: Uncertain significance. Last evaluated: 2025-12-16. Review status: criteria provided, single submitter. Criteria: Invitae Variant Classification Sherloc (09022015). Collection method: clinical testing. Allele origin: germline.
Comment: This sequence change replaces serine, which is neutral and polar, with arginine, which is basic and polar, at codon 299 of the NLRP1 protein (p.Ser299Arg). This variant is present in population databases (no rsID available, gnomAD 0.01%). This variant has not been reported in the literature in individuals affected with NLRP1-related conditions. An algorithm developed to predict the effect of missense changes on protein structure and function outputs the following: PolyPhen-2: "Benign". The arginine amino acid residue is found in multiple mammalian species, which suggests that this missense change does not adversely affect protein function. In summary, the available evidence is currently insufficient to determine the role of this variant in disease. Therefore, it has been classified as a Variant of Uncertain Significance.

NM_033004.4(NLRP1):c.897C>A (p.Ser299Arg)

Gene: NLRP1 (NLR family pyrin domain containing 1; minus strand). Cytogenetic location: 17p13.2.
Variant type: single nucleotide variant.
Coding change: c.897C>A on transcript NM_033004.4 (MANE Select); coding-DNA position 897, C replaced by A.
Protein change: p.Ser299Arg; replaces serine 299 with arginine.
Molecular consequence: missense variant.
Genome position (GRCh38, 1-based): chr17:5,559,799, G>T on the plus strand (C>A on the coding strand, the complement: NLRP1 is on the minus strand). VCF-style: chr17-5559799-G-T. GRCh37 (hg19) VCF-style: chr17-5463119-G-T.
Other names: c.897C>A, p.Ser299Arg (NM_001033053.3, NM_014922.5, NM_033006.4 and 1 more transcripts); short protein forms S299R.
Identifiers: ClinVar variation 4811088 (VCV004811088.1).